The following is an entry in ClinVar:

ClinVar aggregate classification (germline): Uncertain significance (1 of 4 stars; one submission).

Conditions:
Autosomal dominant Parkinson disease 8. Also called: LRRK2-Related Parkinson Disease; Parkinson disease 8; Parkinson disease 8, susceptibility to. Identifiers: Orphanet 411602, MedGen C1846862, MONDO:0011764, OMIM 607060.

Submission:

Labcorp Genetics (formerly Invitae), Labcorp
Classification: Uncertain significance for Autosomal dominant Parkinson disease 8. Last evaluated: 2025-10-10. Review status: criteria provided, single submitter. Criteria: Invitae Variant Classification Sherloc (09022015). Collection method: clinical testing. Allele origin: germline.
Comment: This sequence change replaces lysine, which is basic and polar, with asparagine, which is neutral and polar, at codon 1471 of the LRRK2 protein (p.Lys1471Asn). This variant is not present in population databases (gnomAD no frequency). This variant has not been reported in the literature in individuals affected with LRRK2-related conditions. Invitae Evidence Modeling of protein sequence and biophysical properties (such as structural, functional, and spatial information, amino acid conservation, physicochemical variation, residue mobility, and thermodynamic stability) has been performed for this missense variant. However, the output from this modeling did not meet the statistical confidence thresholds required to predict the impact of this variant on LRRK2 protein function. In summary, the available evidence is currently insufficient to determine the role of this variant in disease. Therefore, it has been classified as a Variant of Uncertain Significance.

NM_198578.4(LRRK2):c.4413G>C (p.Lys1471Asn)

Gene: LRRK2 (leucine rich repeat kinase 2; plus strand). Cytogenetic location: 12q12.
Variant type: single nucleotide variant.
Coding change: c.4413G>C on transcript NM_198578.4 (MANE Select); coding-DNA position 4413, G replaced by C.
Protein change: p.Lys1471Asn; replaces lysine 1471 with asparagine.
Molecular consequence: missense variant.
Genome position (GRCh38, 1-based): chr12:40,310,526, G>C. VCF-style: chr12-40310526-G-C. GRCh37 (hg19) VCF-style: chr12-40704328-G-C.
Other names: short protein forms K1471N.
Identifiers: ClinVar variation 4778443 (VCV004778443.1).